The following is an entry in ClinVar:

NM_152443.3(RDH12):c.393T>A (p.Cys131Ter)

Genes: GPHN (gephyrin; plus strand), RDH12 (retinol dehydrogenase 12; plus strand). Cytogenetic location: 14q24.1.
Variant type: single nucleotide variant.
Coding change: c.393T>A on transcript NM_152443.3 (MANE Select); coding-DNA position 393, T replaced by A.
Protein change: p.Cys131Ter; replaces cysteine 131 with a stop codon.
Molecular consequence: nonsense.
Genome position (GRCh38, 1-based): chr14:67,726,100, T>A. VCF-style: chr14-67726100-T-A. GRCh37 (hg19) VCF-style: chr14-68192817-T-A.
Other names: short protein forms C131*.
Identifiers: ClinVar variation 1071767 (VCV001071767.7), dbSNP rs755621140, ClinGen allele CA7238696.

ClinVar aggregate classification (germline): Pathogenic (1 of 4 stars; one submission).

Conditions:
Leber congenital amaurosis 13 (LCA13). Identifiers: MedGen C2675186, MONDO:0012990, OMIM 612712.

Allele frequency attached by ClinVar (database versions not stated): gnomAD exomes below 0.00001; ExAC 0.00001.
gnomAD v4.1: 1 of 1,614,088 alleles (0.000062%); highest among the groups gnomAD compares: South Asian, 0.0011%; no homozygotes.

Submission:

Labcorp Genetics (formerly Invitae), Labcorp
Classification: Pathogenic for Leber congenital amaurosis 13. Last evaluated: 2020-08-27. Review status: criteria provided, single submitter. Criteria: Invitae Variant Classification Sherloc (09022015). Collection method: clinical testing. Allele origin: germline.
Comment: This sequence change creates a premature translational stop signal (p.Cys131*) in the RDH12 gene. It is expected to result in an absent or disrupted protein product. This variant is present in population databases (rs755621140, ExAC 0.006%). This variant has not been reported in the literature in individuals with RDH12-related conditions. Loss-of-function variants in RDH12 are known to be pathogenic (PMID: 17964524, 22065924). For these reasons, this variant has been classified as Pathogenic.

Literature cited by the submitters: PubMed 17964524; PubMed 22065924.